The following is an entry in ClinVar:

NM_000809.4(GABRA4):c.1299_1309dup (p.Ser437fs)

Gene: GABRA4 (gamma-aminobutyric acid type A receptor subunit alpha4; minus strand). Cytogenetic location: 4p12.
Variant type: Duplication.
Coding change: c.1299_1309dup on transcript NM_000809.4 (MANE Select); coding-DNA positions 1299 to 1309, 11 bases duplicated (AAACCCATTCA).
Protein change: p.Ser437fs; shifts the reading frame from serine 437.
Molecular consequence: frameshift variant.
Genome position (GRCh38, 1-based): chr4:46,928,581-46,928,591, TGAATGGGTTT duplicated on the plus strand (AAACCCATTCA on the coding strand, the reverse complement: GABRA4 is on the minus strand). VCF-style (leftmost placement, unchanged base first): chr4-46928580-C-CTGAATGGGTTT. GRCh37 (hg19) VCF-style: chr4-46930597-C-CTGAATGGGTTT.
Other names: c.1242_1252dup, p.Ser418fs (NM_001204266.2); c.1089_1099dup, p.Ser367fs (NM_001204267.2); short protein forms S367fs, S418fs, S437fs.
Identifiers: ClinVar variation 4686215 (VCV004686215.1).

ClinVar aggregate classification (germline): Uncertain significance (1 of 4 stars; one submission).

Submission:

GeneDx
Classification: Uncertain significance. Last evaluated: 2025-07-13. Review status: criteria provided, single submitter. Criteria: GeneDx Variant Classification Process June 2021. Collection method: clinical testing. Allele origin: germline. Affected: yes.
Comment: Not observed at significant frequency in large population cohorts (gnomAD); Has not been previously published as pathogenic or benign to our knowledge; Frameshift variant predicted to result in abnormal protein length as the last 118 amino acids are replaced with 53 different amino acids with an unclear effect on protein function